The following is an entry in ClinVar:

ClinVar aggregate classification (germline): Uncertain significance. Review status: criteria provided, multiple submitters, no conflicts (2 of 4 stars). 2 submissions from 2 submitters: Uncertain significance (2). Last evaluated 2026-04-29.

Conditions:
Cardiovascular phenotype. Identifiers: MedGen CN230736.

Allele frequency attached by ClinVar (database versions not stated): TOPMed 0.00001; gnomAD exomes 0.00002; gnomAD 0.00001; ExAC 0.00002.
gnomAD v4.1: 33 of 1,614,034 alleles (0.002%); highest among the groups gnomAD compares: South Asian, 0.0088%; no homozygotes.

Submissions (2):

Ambry Genetics
Classification: Uncertain significance for Cardiovascular phenotype. Last evaluated: 2026-04-29. Review status: criteria provided, single submitter. Criteria: Ambry Variant Classification Scheme 2023. Collection method: clinical testing. Allele origin: germline.
Comment: The p.Y346C variant (also known as c.1037A>G), located in coding exon 5 of the ALMS1 gene, results from an A to G substitution at nucleotide position 1037. The tyrosine at codon 346 is replaced by cysteine, an amino acid with highly dissimilar properties. This amino acid position is well conserved in available vertebrate species. In addition, the in silico prediction for this alteration is inconclusive. Based on the available evidence, the clinical significance of this variant remains unclear.

GeneDx
Classification: Uncertain significance. Last evaluated: 2022-05-18. Review status: criteria provided, single submitter. Criteria: GeneDx Variant Classification Process June 2021. Collection method: clinical testing. Allele origin: germline. Affected: yes.
Comment: Not observed at significant frequency in large population cohorts (gnomAD); In silico analysis supports that this missense variant has a deleterious effect on protein structure/function; Has not been previously published as pathogenic or benign to our knowledge

NM_001378454.1(ALMS1):c.1034A>G (p.Tyr345Cys)

Gene: ALMS1 (ALMS1 centrosome and basal body associated protein; plus strand). Cytogenetic location: 2p13.1.
Variant type: single nucleotide variant.
Coding change: c.1034A>G on transcript NM_001378454.1 (MANE Select); coding-DNA position 1034, A replaced by G.
Protein change: p.Tyr345Cys; replaces tyrosine 345 with cysteine.
Molecular consequence: missense variant.
Genome position (GRCh38, 1-based): chr2:73,424,699, A>G. VCF-style: chr2-73424699-A-G. GRCh37 (hg19) VCF-style: chr2-73651827-A-G.
Other names: c.1037A>G, p.Tyr346Cys (NM_015120.4); short protein forms Y345C, Y346C.
Identifiers: ClinVar variation 1800590 (VCV001800590.2), dbSNP rs775233432, ClinGen allele CA1713036.